The following is an entry in ClinVar:

NM_001009944.3(PKD1):c.3666del (p.Val1223fs)

Gene: PKD1 (polycystin 1, transient receptor potential channel interacting; minus strand). Cytogenetic location: 16p13.3.
Variant type: Deletion.
Coding change: c.3666del on transcript NM_001009944.3 (MANE Select); coding-DNA position 3666, one base deleted (C; older notation c.3666delC).
Protein change: p.Val1223fs; shifts the reading frame from valine 1223.
Molecular consequence: frameshift variant.
Genome position (GRCh38, 1-based): chr16:2,111,501, G deleted on the plus strand (C on the coding strand, the reverse complement: PKD1 is on the minus strand); the first of 2 consecutive G bases (chr16:2,111,501-2,111,502); deleting either gives the same sequence. VCF-style (leftmost placement, unchanged base first): chr16-2111500-CG-C. GRCh37 (hg19) VCF-style: chr16-2161501-CG-C.
Other names: c.3666del, p.Val1223fs (NM_000296.4); short protein forms V1223fs.
Identifiers: ClinVar variation 3764686 (VCV003764686.2).

ClinVar aggregate classification (germline): Pathogenic (1 of 4 stars; one submission).

Conditions:
Polycystic kidney disease, adult type (PKD1). Also called: Polycystic Kidney Disease 1, Autosomal Dominant; Polycystic kidney disease 1; Polycystic kidney disease 1, severe; POLYCYSTIC KIDNEY DISEASE, ADULT, TYPE I; Polycystic Kidney, Autosomal Dominant; POLYCYSTIC KIDNEY DISEASE 1 WITH OR WITHOUT POLYCYSTIC LIVER DISEASE. Identifiers: MedGen C3149841, MONDO:0008263, OMIM 173900.

Submission:

Juno Genomics, Hangzhou Juno Genomics, Inc
Classification: Pathogenic for Polycystic kidney disease, adult type. Review status: criteria provided, single submitter. Criteria: ACMG Guidelines, 2015. Collection method: clinical testing. Allele origin: germline. Affected: yes.
Comment: Absent from controls (or at extremely low frequency if recessive) in Genome Aggregation Database, Exome Sequencing Project, 1000 Genomes Project, or Exome Aggregation Consortium.;Null variant in a gene where loss of function (LOF) is a known mechanism of disease.;Patient's phenotype or family history is highly specific for a disease with a single genetic etiology.